The following is an entry in ClinVar:

ClinVar aggregate classification (germline): Uncertain significance (1 of 4 stars; one submission).

Submission:

Ambry Genetics
Classification: Uncertain significance. Last evaluated: 2024-06-12. Review status: criteria provided, single submitter. Criteria: Ambry Variant Classification Scheme 2023. Collection method: clinical testing. Allele origin: germline.
Comment: The p.L1446P variant (also known as c.4337T>C), located in coding exon 16 of the POLQ gene, results from a T to C substitution at nucleotide position 4337. The leucine at codon 1446 is replaced by proline, an amino acid with similar properties. This amino acid position is conserved. In addition, this alteration is predicted to be deleterious by in silico analysis. Based on the available evidence, the clinical significance of this variant remains unclear.

NM_199420.4(POLQ):c.4337T>C (p.Leu1446Pro)

Gene: POLQ (DNA polymerase theta; minus strand). Cytogenetic location: 3q13.33.
Variant type: single nucleotide variant.
Coding change: c.4337T>C on transcript NM_199420.4 (MANE Select); coding-DNA position 4337, T replaced by C.
Protein change: p.Leu1446Pro; replaces leucine 1446 with proline.
Molecular consequence: missense variant.
Genome position (GRCh38, 1-based): chr3:121,488,594, A>G on the plus strand (T>C on the coding strand, the complement: POLQ is on the minus strand). VCF-style: chr3-121488594-A-G. GRCh37 (hg19) VCF-style: chr3-121207441-A-G.
Other names: short protein forms L1446P.
Identifiers: ClinVar variation 3308728 (VCV003308728.1).